The following is an entry in ClinVar:

ClinVar aggregate classification (germline): Likely pathogenic (1 of 4 stars; one submission).

Submission:

CeGaT Center for Human Genetics Tuebingen
Classification: Likely pathogenic. Last evaluated: 2025-08-01. Review status: criteria provided, single submitter. Criteria: CeGaT Center For Human Genetics Tuebingen Variant Classification Criteria Version 2. Collection method: clinical testing. Allele origin: germline. Affected: yes. Observed: 1 variant allele.
Comment: TPM1: PM2, PM5, PP2, PP3

NM_001018005.2(TPM1):c.724G>A (p.Ala242Thr)

Gene: TPM1 (tropomyosin 1; plus strand). Cytogenetic location: 15q22.2.
Variant type: single nucleotide variant.
Coding change: c.724G>A on transcript NM_001018005.2 (MANE Select); coding-DNA position 724, G replaced by A.
Protein change: p.Ala242Thr; replaces alanine 242 with threonine.
Molecular consequence: missense variant. On other transcripts: non-coding transcript variant (17).
Genome position (GRCh38, 1-based): chr15:63,062,597, G>A. VCF-style: chr15-63062597-G-A. GRCh37 (hg19) VCF-style: chr15-63354796-G-A.
Other names: c.724G>A, p.Ala242Thr (NM_000366.6, NM_001018004.2, NM_001018006.2 and 20 more transcripts); c.616G>A, p.Ala206Thr (NM_001018008.2, NM_001365780.1, NM_001365781.2 and 9 more transcripts); c.850G>A, p.Ala284Thr (NM_001407322.1, NM_001407323.1, NM_001407324.1 and 1 more transcripts); short protein forms A206T, A242T, A284T.
Identifiers: ClinVar variation 4085578 (VCV004085578.8).
Genomic context (GRCh38, chr15:63,062,597, plus strand): 5'-ATAAAACTTCCCAACTTTAACTCAAATAAATCATTACAGGCTGAGACTCGGGCTGAGTTT[G>A]CGGAGAGGTCAGTAACTAAATTGGAGAAAAGCATTGATGACTTAGAAGGTAAGATCTTAA-3'
Protein context (NP_001018005.1, residues 232-252): LKEAETRAEF[Ala242Thr]ERSVTKLEKS